The following is an entry in ClinVar:

NM_003970.4(MYOM2):c.2133G>A (p.Pro711=)

Gene: MYOM2 (myomesin 2; plus strand). Cytogenetic location: 8p23.3.
Variant type: single nucleotide variant.
Coding change: c.2133G>A on transcript NM_003970.4 (MANE Select); coding-DNA position 2133, G replaced by A.
Protein change: p.Pro711=; no amino-acid change (proline 711 retained).
Molecular consequence: synonymous variant.
Genome position (GRCh38, 1-based): chr8:2,096,254, G>A. VCF-style: chr8-2096254-G-A. GRCh37 (hg19) VCF-style: chr8-2044094-G-A.
Identifiers: ClinVar variation 3039360 (VCV003039360.2), dbSNP rs34141835, ClinGen allele CA170457140.

ClinVar aggregate classification (germline): Benign (0 of 4 stars; one submission).

Conditions:
MYOM2-related disorder. Also called: MYOM2-related condition.

Allele frequency attached by ClinVar (database versions not stated): gnomAD exomes 0.00066; ExAC 0.00236; gnomAD 0.00564; ESP Exome Variant Server 0.00607; TOPMed 0.00608; 1000 Genomes Project 0.00679; 1000 Genomes Project 30x 0.00703.
gnomAD v4.1: 1,855 of 1,613,824 alleles (0.11%); highest among the groups gnomAD compares: African/African-American, 1.8%; 21 homozygotes.

Submission:

PreventionGenetics, part of Exact Sciences
Classification: Benign for MYOM2-related condition. Last evaluated: 2019-05-27. Review status: no assertion criteria provided. Collection method: clinical testing. Allele origin: germline.
Comment: This variant is classified as benign based on ACMG/AMP sequence variant interpretation guidelines (Richards et al. 2015 PMID: 25741868, with internal and published modifications).